The following is an entry in ClinVar:

NM_004415.4(DSP):c.5765G>A (p.Arg1922Lys)

Gene: DSP (desmoplakin; plus strand). Cytogenetic location: 6p24.3.
Variant type: single nucleotide variant.
Coding change: c.5765G>A on transcript NM_004415.4 (MANE Select); coding-DNA position 5765, G replaced by A.
Protein change: p.Arg1922Lys; replaces arginine 1922 with lysine.
Molecular consequence: missense variant.
Genome position (GRCh38, 1-based): chr6:7,583,027, G>A. VCF-style: chr6-7583027-G-A. GRCh37 (hg19) VCF-style: chr6-7583260-G-A.
Other names: c.3968G>A, p.Arg1323Lys (NM_001008844.3); c.4436G>A, p.Arg1479Lys (NM_001319034.2); short protein forms R1479K, R1922K, R1323K.
Identifiers: ClinVar variation 1445442 (VCV001445442.7), dbSNP rs1235630592, ClinGen allele CA362689364.

ClinVar aggregate classification (germline): Uncertain significance. Review status: criteria provided, multiple submitters, no conflicts (2 of 4 stars). 2 submissions from 2 submitters: Uncertain significance (2). Last evaluated 2025-09-29.

Conditions:
Cardiomyopathy (CMYO). Also called: Cardiomyopathies. Identifiers: Orphanet 167848, MedGen C0878544, MONDO:0004994, HP:0001638. Inheritance: Various modes of inheritance.
Arrhythmogenic cardiomyopathy with wooly hair and keratoderma. Also called: Dilated cardiomyopathy with woolly hair and keratoderma; PALMOPLANTAR KERATODERMA WITH LEFT VENTRICULAR CARDIOMYOPATHY AND WOOLLY HAIR; Carvajal syndrome; Arrhythmogenic cardiomyopathy with woolly hair and keratoderma. Identifiers: Orphanet 65282, MedGen C1854063, MONDO:0011581, OMIM 605676.
Arrhythmogenic right ventricular dysplasia 8 (ARVD8). Also called: Arrhythmogenic Right Ventricular Dysplasia/Cardiomyopathy 8; ARRHYTHMOGENIC RIGHT VENTRICULAR DYSPLASIA, FAMILIAL, 8; ARRHYTHMOGENIC RIGHT VENTRICULAR CARDIOMYOPATHY 8. Identifiers: MedGen C1843896, MONDO:0011831, OMIM 607450.

Allele frequency attached by ClinVar (database versions not stated): gnomAD exomes below 0.00001.

Submissions (2):

Color Diagnostics, LLC DBA Color Health
Classification: Uncertain significance for Cardiomyopathy. Last evaluated: 2025-09-29. Review status: criteria provided, single submitter. Criteria: ACMG Guidelines, 2015. Collection method: clinical testing. Allele origin: germline.
Comment: This missense variant replaces arginine with lysine at codon 1922 of the DSP protein. Computational prediction suggests that this variant may not impact protein structure and function. To our knowledge, functional studies have not been reported for this variant. This variant has not been reported in individuals affected with DSP-related disorders in the literature. This variant has been identified in 2/1461864 chromosomes in the general population by the Genome Aggregation Database (gnomAD). The available evidence is insufficient to determine the role of this variant in disease conclusively. Therefore, this variant is classified as a Variant of Uncertain Significance.

Labcorp Genetics (formerly Invitae), Labcorp
Classification: Uncertain significance for Arrhythmogenic cardiomyopathy with wooly hair and keratoderma; Arrhythmogenic right ventricular dysplasia 8. Last evaluated: 2024-04-25. Review status: criteria provided, single submitter. Criteria: Invitae Variant Classification Sherloc (09022015). Collection method: clinical testing. Allele origin: germline.
Comment: This sequence change replaces arginine, which is basic and polar, with lysine, which is basic and polar, at codon 1922 of the DSP protein (p.Arg1922Lys). This variant is not present in population databases (gnomAD no frequency). This variant has not been reported in the literature in individuals affected with DSP-related conditions. ClinVar contains an entry for this variant (Variation ID: 1445442). An algorithm developed to predict the effect of missense changes on protein structure and function (PolyPhen-2) suggests that this variant is likely to be tolerated. In summary, the available evidence is currently insufficient to determine the role of this variant in disease. Therefore, it has been classified as a Variant of Uncertain Significance.